The following is an entry in ClinVar:

ClinVar aggregate classification (germline): Benign/Likely benign. Review status: criteria provided, multiple submitters, no conflicts (2 of 4 stars). 2 submissions from 2 submitters: Benign (1); Likely benign (1). Last evaluated 2026-08-01.

Conditions:
Tenorio syndrome (TNORS). Also called: OVERGROWTH, MACROCEPHALY, AND INTELLECTUAL DISABILITY SYNDROME. Identifiers: MedGen C4015710, MONDO:0014553, OMIM 616260.

Allele frequency attached by ClinVar (database versions not stated): 1000 Genomes Project 30x 0.00078; TOPMed 0.00099; 1000 Genomes Project 0.00100; ESP Exome Variant Server 0.00108; ExAC 0.00222; gnomAD exomes 0.00226 and 0.00254; gnomAD 0.00260 and 0.00269.
gnomAD v4.1: 3,666 of 1,613,042 alleles (0.23%); highest among the groups gnomAD compares: Non-Finnish European, 0.19%; 14 homozygotes.

Submissions (2):

CeGaT Center for Human Genetics Tuebingen
Classification: Likely benign. Last evaluated: 2026-08-01. Review status: criteria provided, single submitter. Criteria: CeGaT Center For Human Genetics Tuebingen Variant Classification Criteria Version 2. Collection method: clinical testing. Allele origin: germline. Affected: yes. Observed: 11 variant alleles.
Comment: RNF125: BP4, BP7

Labcorp Genetics (formerly Invitae), Labcorp
Classification: Benign for Tenorio syndrome. Last evaluated: 2025-12-26. Review status: criteria provided, single submitter. Criteria: Invitae Variant Classification Sherloc (09022015). Collection method: clinical testing. Allele origin: germline.

NM_017831.4(RNF125):c.387A>G (p.Leu129=)

Gene: RNF125 (ring finger protein 125; plus strand). Cytogenetic location: 18q12.1.
Variant type: single nucleotide variant.
Coding change: c.387A>G on transcript NM_017831.4 (MANE Select); coding-DNA position 387, A replaced by G.
Protein change: p.Leu129=; no amino-acid change (leucine 129 retained).
Molecular consequence: synonymous variant.
Genome position (GRCh38, 1-based): chr18:32,042,247, A>G. VCF-style: chr18-32042247-A-G. GRCh37 (hg19) VCF-style: chr18-29622210-A-G.
Identifiers: ClinVar variation 475384 (VCV000475384.38), dbSNP rs144268137, ClinGen allele CA8930479.